The following is an entry in ClinVar:

ClinVar aggregate classification (germline): Uncertain significance (1 of 4 stars; one submission).

Conditions:
Loeys-Dietz syndrome 2 (LDS2). Also called: Marfan Syndrome type 2; Marfan like connective tissue disorder; MFS 2; TGFBR2-Related Loeys-Dietz Syndrome; Marfan syndrome, type 2 (formerly); AORTIC ANEURYSM, FAMILIAL THORACIC 3. Identifiers: Orphanet 284973, Orphanet 558, MedGen C2674574, MONDO:0012427, OMIM 610168.

Submission:

Labcorp Genetics (formerly Invitae), Labcorp
Classification: Uncertain significance for Loeys-Dietz syndrome 2. Last evaluated: 2022-07-17. Review status: criteria provided, single submitter. Criteria: Invitae Variant Classification Sherloc (09022015). Collection method: clinical testing. Allele origin: germline.
Comment: In summary, the available evidence is currently insufficient to determine the role of this variant in disease. Therefore, it has been classified as a Variant of Uncertain Significance. Algorithms developed to predict the effect of missense changes on protein structure and function output the following: SIFT: "Tolerated"; PolyPhen-2: "Benign"; Align-GVGD: "Class C0". The valine amino acid residue is found in multiple mammalian species, which suggests that this missense change does not adversely affect protein function. This variant has not been reported in the literature in individuals affected with TMPO-related conditions. This variant is not present in population databases (gnomAD no frequency). This sequence change replaces isoleucine, which is neutral and non-polar, with valine, which is neutral and non-polar, at codon 165 of the TMPO protein (p.Ile165Val).

NM_001032283.3(TMPO):c.493A>G (p.Ile165Val)

Gene: TMPO (thymopoietin; plus strand). Cytogenetic location: 12q23.1.
Variant type: single nucleotide variant.
Coding change: c.493A>G on transcript NM_001032283.3 (MANE Select); coding-DNA position 493, A replaced by G.
Protein change: p.Ile165Val; replaces isoleucine 165 with valine.
Molecular consequence: missense variant.
Genome position (GRCh38, 1-based): chr12:98,531,766, A>G. VCF-style: chr12-98531766-A-G. GRCh37 (hg19) VCF-style: chr12-98925544-A-G.
Other names: c.493A>G, p.Ile165Val (NM_001032284.3, NM_001307975.2, NM_003276.2); short protein forms I165V.
Identifiers: ClinVar variation 1716688 (VCV001716688.6), dbSNP rs2548501767, ClinGen allele CA386151160.
Genomic context (GRCh38, chr12:98,531,766, plus strand): 5'-AAGCTTTTGAAACTGAGGGAACAAGGAACAGAATCAAGATCTTCTACTCCTCTGCCAACA[A>G]TTTCTTCTTCAGCAGAAAATACAAGGCAGAATGGAAGTAATGATTCTGACAGATACAGTG-3'
Protein context (NP_001027454.1, residues 155-175): ESRSSTPLPT[Ile165Val]SSSAENTRQN